The following is an entry in ClinVar:

NM_015041.3(CLUAP1):c.137A>G (p.Tyr46Cys)

Gene: CLUAP1 (clusterin associated protein 1; plus strand). Cytogenetic location: 16p13.3.
Variant type: single nucleotide variant.
Coding change: c.137A>G on transcript NM_015041.3 (MANE Select); coding-DNA position 137, A replaced by G.
Protein change: p.Tyr46Cys; replaces tyrosine 46 with cysteine.
Molecular consequence: missense variant.
Genome position (GRCh38, 1-based): chr16:3,506,333, A>G. VCF-style: chr16-3506333-A-G. GRCh37 (hg19) VCF-style: chr16-3556333-A-G.
Other names: c.137A>G, p.Tyr46Cys (NM_001330454.2); short protein forms Y46C.
Identifiers: ClinVar variation 2065570 (VCV002065570.5), dbSNP rs751722395, ClinGen allele CA7863627.

ClinVar aggregate classification (germline): Uncertain significance. Review status: criteria provided, multiple submitters, no conflicts (2 of 4 stars). 2 submissions from 2 submitters: Uncertain significance (2). Last evaluated 2025-08-04.

Allele frequency attached by ClinVar (database versions not stated): ExAC 0.00002; TOPMed 0.00002; gnomAD 0.00003; gnomAD exomes 0.00003.
gnomAD v4.1: 57 of 1,613,440 alleles (0.0035%); highest among the groups gnomAD compares: Admixed American, 0.0067%; no homozygotes.

Submissions (2):

Labcorp Genetics (formerly Invitae), Labcorp
Classification: Uncertain significance. Last evaluated: 2025-08-04. Review status: criteria provided, single submitter. Criteria: Invitae Variant Classification Sherloc (09022015). Collection method: clinical testing. Allele origin: germline.
Comment: This sequence change replaces tyrosine, which is neutral and polar, with cysteine, which is neutral and slightly polar, at codon 46 of the CLUAP1 protein (p.Tyr46Cys). This variant is present in population databases (rs751722395, gnomAD 0.01%). This variant has not been reported in the literature in individuals affected with CLUAP1-related conditions. ClinVar contains an entry for this variant (Variation ID: 2065570). An algorithm developed to predict the effect of missense changes on protein structure and function (PolyPhen-2) suggests that this variant is likely to be disruptive. In summary, the available evidence is currently insufficient to determine the role of this variant in disease. Therefore, it has been classified as a Variant of Uncertain Significance.

Ambry Genetics
Classification: Uncertain significance. Last evaluated: 2021-10-19. Review status: criteria provided, single submitter. Criteria: Ambry Variant Classification Scheme 2023. Collection method: clinical testing. Allele origin: germline.